The following is an entry in ClinVar:

NM_014305.4(TGDS):c.1014G>C (p.Trp338Cys)

Gene: TGDS (TDP-glucose 4,6-dehydratase; minus strand). Cytogenetic location: 13q32.1.
Variant type: single nucleotide variant.
Coding change: c.1014G>C on transcript NM_014305.4 (MANE Select); coding-DNA position 1014, G replaced by C.
Protein change: p.Trp338Cys; replaces tryptophan 338 with cysteine.
Molecular consequence: missense variant. On other transcripts: non-coding transcript variant (2).
Genome position (GRCh38, 1-based): chr13:94,574,821, C>G on the plus strand (G>C on the coding strand, the complement: TGDS is on the minus strand). VCF-style: chr13-94574821-C-G. GRCh37 (hg19) VCF-style: chr13-95227075-C-G.
Other names: c.918G>C, p.Trp306Cys (NM_001304430.2); short protein forms W306C, W338C.
Identifiers: ClinVar variation 3234836 (VCV003234836.20), dbSNP rs2501948490, ClinGen allele CA388392640.
Genomic context (GRCh38, chr13:94,574,821, plus strand): 5'-TCTCGACTATATAAATGGTGATTATACCGGAAAGGGTTCTAATGCCTTTTCCACATTCTT[C>G]CAGTTGTGAAAATTCTCTCTGTACCATTCAACTAATAGGAAAAAACAAAAGACAAAAAAA-3'
Protein context (NP_055120.1, residues 328-348): IEWYRENFHN[Trp338Cys]KNVEKALEPF

ClinVar aggregate classification (germline): Likely pathogenic (1 of 4 stars; one submission).

Submission:

CeGaT Center for Human Genetics Tuebingen
Classification: Likely pathogenic. Last evaluated: 2024-04-01. Review status: criteria provided, single submitter. Criteria: CeGaT Center For Human Genetics Tuebingen Variant Classification Criteria Version 2. Collection method: clinical testing. Allele origin: germline. Affected: yes. Observed: 1 variant allele.
Comment: TGDS: PM2, PM3, PP3, PP4